The following is an entry in ClinVar:

ClinVar aggregate classification (germline): Uncertain significance (1 of 4 stars; one submission).

Submission:

CeGaT Center for Human Genetics Tuebingen
Classification: Uncertain significance. Last evaluated: 2023-02-01. Review status: criteria provided, single submitter. Criteria: CeGaT Center For Human Genetics Tuebingen Variant Classification Criteria Version 2. Collection method: clinical testing. Allele origin: germline. Affected: yes. Observed: 1 variant allele.
Comment: GDAP1: PM1, PM2, PP3

NM_018972.4(GDAP1):c.628G>C (p.Asp210His)

Gene: GDAP1 (ganglioside induced differentiation associated protein 1; plus strand). Cytogenetic location: 8q21.11.
Variant type: single nucleotide variant.
Coding change: c.628G>C on transcript NM_018972.4 (MANE Select); coding-DNA position 628, G replaced by C.
Protein change: p.Asp210His; replaces aspartic acid 210 with histidine.
Molecular consequence: missense variant.
Genome position (GRCh38, 1-based): chr8:74,362,987, G>C. VCF-style: chr8-74362987-G-C. GRCh37 (hg19) VCF-style: chr8-75275222-G-C.
Other names: c.424G>C, p.Asp142His (NM_001040875.4); c.301G>C, p.Asp101His (NM_001362929.2, NM_001362932.2); c.454G>C, p.Asp152His (NM_001362930.2); c.628G>C, p.Asp210His (NM_001362931.2); short protein forms D101H, D142H, D152H, D210H.
Identifiers: ClinVar variation 2658656 (VCV002658656.24), dbSNP rs2536747868, ClinGen allele CA371549557.